The following is an entry in ClinVar:

NM_183050.4(BCKDHB):c.464_465delinsGG (p.Pro155Arg)

Gene: BCKDHB (branched chain keto acid dehydrogenase E1 subunit beta; plus strand). Cytogenetic location: 6q14.1.
Variant type: Indel.
Coding change: c.464_465delinsGG on transcript NM_183050.4 (MANE Select); coding-DNA positions 464 to 465, CT replaced by GG.
Protein change: p.Pro155Arg; replaces proline 155 with arginine.
Molecular consequence: missense variant. On other transcripts: non-coding transcript variant (1).
Genome position (GRCh38, 1-based): chr6:80,167,798-80,167,799, CT replaced by GG. VCF-style: chr6-80167798-CT-GG. GRCh37 (hg19) VCF-style: chr6-80877515-CT-GG.
Other names: c.254_255delinsGG, p.Pro85Arg (NM_001318975.1); c.464_465delinsGG, p.Pro155Arg (NM_000056.5); short protein forms P155R, P85R.
Identifiers: ClinVar variation 1494379 (VCV001494379.8), dbSNP rs2127773530, ClinGen allele CA2573141186.

ClinVar aggregate classification (germline): Uncertain significance (1 of 4 stars; one submission).

Conditions:
Maple syrup urine disease (MSUD). Identifiers: Orphanet 511, MedGen C0024776, MeSH D008375, MONDO:0009563. Disease mechanism: loss of function.

Submission:

Labcorp Genetics (formerly Invitae), Labcorp
Classification: Uncertain significance for Maple syrup urine disease. Last evaluated: 2021-07-08. Review status: criteria provided, single submitter. Criteria: Invitae Variant Classification Sherloc (09022015). Collection method: clinical testing. Allele origin: germline.
Comment: In summary, the available evidence is currently insufficient to determine the role of this variant in disease. Therefore, it has been classified as a Variant of Uncertain Significance. Algorithms developed to predict the effect of missense changes on protein structure and function are either unavailable or do not agree on the potential impact of this missense change (SIFT: "Not Available"; PolyPhen-2: "Probably Damaging"; Align-GVGD: "Not Available"). This variant has been observed in individual(s) with maple syrup urine disease (Invitae). The frequency data for this variant in the population databases is not available, as this variant may be reported as separate entries in the ExAC database. This sequence change replaces proline with arginine at codon 155 of the BCKDHB protein (p.Pro155Arg). The proline residue is highly conserved and there is a moderate physicochemical difference between proline and arginine.